The following is an entry in ClinVar:

NM_032638.5(GATA2):c.1123C>T (p.Leu375Phe)

Gene: GATA2 (GATA binding protein 2; minus strand). Cytogenetic location: 3q21.3.
Variant type: single nucleotide variant.
Coding change: c.1123C>T on transcript NM_032638.5 (MANE Select); coding-DNA position 1123, C replaced by T.
Protein change: p.Leu375Phe; replaces leucine 375 with phenylalanine.
Molecular consequence: missense variant.
Genome position (GRCh38, 1-based): chr3:128,481,839, G>A on the plus strand (C>T on the coding strand, the complement: GATA2 is on the minus strand). VCF-style: chr3-128481839-G-A. GRCh37 (hg19) VCF-style: chr3-128200682-G-A.
Other names: c.1123C>T, p.Leu375Phe (NM_001145661.2); c.1081C>T, p.Leu361Phe (NM_001145662.1); short protein forms L361F, L375F.
Identifiers: ClinVar variation 1184190 (VCV001184190.2), dbSNP rs2107668602, ClinGen allele CA354413491.

ClinVar aggregate classification (germline): Likely pathogenic. Review status: criteria provided, multiple submitters, no conflicts (2 of 4 stars). 2 submissions from 2 submitters: Likely pathogenic (2). Last evaluated 2024-12-18.

Conditions:
Deafness-lymphedema-leukemia syndrome. Also called: Emberger syndrome; Lymphedema, primary, with myelodysplasia. Identifiers: Orphanet 3226, MedGen C3279664, MONDO:0013540, OMIM 614038.
GATA2 deficiency with susceptibility to MDS/AML. Identifiers: MedGen CN300066, MONDO:0042982.
Monocytopenia with susceptibility to infections. Also called: IMMUNODEFICIENCY 21; MONOCYTOPENIA AND MYCOBACTERIAL INFECTION SYNDROME; MONOCYTOPENIA WITH SUSCEPTIBILITY TO MYCOBACTERIAL, FUNGAL, AND PAPILLOMAVIRUS INFECTIONS AND MYELODYSPLASIA; COMBINED IMMUNODEFICIENCY WITH SUSCEPTIBILITY TO MYCOBACTERIAL, VIRAL, AND FUNGAL INFECTIONS; Dendritic cell, monocyte, B lymphocyte, and natural killer lymphocyte deficiency; GATA2 DEFICIENCY. Identifiers: Orphanet 228423, MedGen C3280030, MONDO:0013607, OMIM 614172.

Submissions (2):

Genomic Medicine Center of Excellence, King Faisal Specialist Hospital and Research Centre
Classification: Likely pathogenic for Monocytopenia with susceptibility to infections. Last evaluated: 2024-12-18. Review status: criteria provided, single submitter. Criteria: ACMG Guidelines, 2015. Collection method: clinical testing. Allele origin: germline.

Molecular Pathology Research Laboratory, SA Pathology
Classification: Likely pathogenic for GATA2 deficiency with susceptibility to MDS/AML; Deafness-lymphedema-leukemia syndrome. Last evaluated: 2021-07-06. Review status: criteria provided, single submitter. Criteria: ACMG Guidelines, 2015. Collection method: curation. Allele origin: germline. Inheritance: Autosomal dominant inheritance. Affected: yes. Observed: 3 variant alleles. Clinical features observed: Myelodysplasia, Acute Myeloid Leukemia, Immunodeficiency, Lymphedema, Hematological abnormality.
Comment: PS4_Moderate, PM1, PM2, PM5, PP3

Literature cited by the submitters: PubMed 31245276 (cited by Molecular Pathology Research Laboratory, SA Pathology); PubMed 24359037 (cited by Molecular Pathology Research Laboratory, SA Pathology); PubMed 29146900 (cited by Molecular Pathology Research Laboratory, SA Pathology).